The following is an entry in ClinVar:

ClinVar aggregate classification (germline): Likely pathogenic (1 of 4 stars; one submission).

Conditions:
Salla disease (SD). Also called: Less Severe FSASD (Salla Disease); Sialuria, Finnish type; N-acetylneuraminic acid (NANA) storage disease (NSD); Infantile sialic acid storage disorder (ISSD). Identifiers: Orphanet 309334, Orphanet 834, MedGen C1096903, MONDO:0011449, OMIM 604369.

Submission:

Natera, Inc.
Classification: Likely pathogenic for Salla disease. Last evaluated: 2024-08-28. Review status: criteria provided, single submitter. Criteria: Natera Variant Classification Schema (03/2026). Collection method: clinical testing. Allele origin: germline.
Comment: The c.1022_1028del variant in SLC17A5 is a frameshift variant predicted to shift the reading frame beginning at codon 341 and leads to a stop codon 10 codons downstream. This variant is expected to result in nonsense mediated decay, truncation, or a dysfunctional protein product. This variant is rare in the general population with a frequency below the threshold expected for the associated phenotype(s). Given the available evidence, this variant is classified as Likely Pathogenic.

NM_012434.5(SLC17A5):c.1022_1028del (p.Cys341fs)

Gene: SLC17A5 (solute carrier family 17 member 5; minus strand). Cytogenetic location: 6q13.
Variant type: Deletion.
Coding change: c.1022_1028del on transcript NM_012434.5 (MANE Select); coding-DNA positions 1022 to 1028, 7 bases deleted (GTATGAT; older notation c.1022_1028delGTATGAT).
Protein change: p.Cys341fs; shifts the reading frame from cysteine 341.
Molecular consequence: frameshift variant.
Genome position (GRCh38, 1-based): chr6:73,615,398-73,615,404, ATCATAC deleted on the plus strand (GTATGAT on the coding strand, the reverse complement: SLC17A5 is on the minus strand); deleting any 7 consecutive bases within chr6:73,615,398-73,615,406 gives the same sequence; the c. name uses the placement nearest the transcript's 3' end. VCF-style (leftmost placement, unchanged base first): chr6-73615397-GATCATAC-G. GRCh37 (hg19) VCF-style: chr6-74325120-GATCATAC-G.
Other names: c.791_797del, p.Cys264fs (NM_001382629.1); c.1022_1028del, p.Cys341fs (NM_001382630.1, NM_001382633.1); c.1043_1049del, p.Cys348fs (NM_001382631.1); c.935_941del, p.Cys312fs (NM_001382632.1); c.863_869del, p.Cys288fs (NM_001382634.1); c.1019_1025del, p.Cys340fs (NM_001382635.1); c.704_710del, p.Cys235fs (NM_001382636.1); short protein forms C235fs, C264fs, C288fs, C312fs, C340fs, C341fs, C348fs.
Identifiers: ClinVar variation 4815567 (VCV004815567.1).
Genomic context (GRCh38, chr6:73,615,397, plus strand): 5'-AACACATAAAGTTGAAAAATTCCATTTTGCCCTTAAATTGTCAGCAGCTTGACCAGACAG[GATCATAC>G]ATAACCAAGAGCCTAAATAAGGCAATGAAGATAAAAACCCATTCTGGAAGGAATAAGAAG-3'